The following is an entry in ClinVar:

ClinVar aggregate classification (germline): Uncertain significance (1 of 4 stars; one submission).

Conditions:
Hereditary cancer-predisposing syndrome. Also called: Hereditary neoplastic syndrome; Neoplastic Syndromes, Hereditary; Tumor predisposition; Hereditary Cancer Syndrome. Identifiers: Orphanet 140162, MedGen C0027672, MeSH D009386, MONDO:0015356.

Submission:

Ambry Genetics
Classification: Uncertain significance for Hereditary cancer-predisposing syndrome. Last evaluated: 2025-07-14. Review status: criteria provided, single submitter. Criteria: Ambry Variant Classification Scheme 2023. Collection method: clinical testing. Allele origin: germline.
Comment: The c.-4A>C variant is located in the 5' untranslated region (5&rsquo; UTR) of the PMS2 gene. This variant results from an A to C substitution 4 bases upstream from the first translated codon. This nucleotide position is well conserved in available vertebrate species. Based on the available evidence, the clinical significance of this variant remains unclear.

NM_000535.7(PMS2):c.-4A>C

Gene: PMS2 (PMS1 homolog 2, mismatch repair system component; minus strand). Cytogenetic location: 7p22.1.
Variant type: single nucleotide variant.
Coding change: c.-4A>C on transcript NM_000535.7 (MANE Select); 4 bases upstream of the start codon, A replaced by C.
Molecular consequence: 5 prime UTR variant. On other transcripts: non-coding transcript variant (1).
Genome position (GRCh38, 1-based): chr7:6,009,023, T>G on the plus strand (A>C on the coding strand, the complement: PMS2 is on the minus strand). VCF-style: chr7-6009023-T-G. GRCh37 (hg19) VCF-style: chr7-6048654-T-G.
Other names: c.-594A>C (NM_001322009.2, NM_001406897.1); c.-269A>C (NM_001322010.2, NM_001322004.2, NM_001406911.1); c.-888A>C (NM_001322011.2); c.-883A>C (NM_001322012.2); c.-404A>C (NM_001322013.2, NM_001322003.2, NM_001406887.1 and 4 more transcripts); c.-4A>C (NM_001322014.2, NM_001406866.1, NM_001406868.1 and 11 more transcripts); c.-483A>C (NM_001322015.2); c.-678A>C (NM_001406875.1, NM_001406882.1); and 19 more.
Identifiers: ClinVar variation 4140496 (VCV004140496.1).
Genomic context (GRCh38, chr7:6,009,023, plus strand): 5'-GAGGGGACACCGGAAGACTGCGAGCCCCGCTCACCTCGAGCTCTCAGCTCGCTCCATGGA[T>G]GCAACACCCGATCCGCCTCGGGGACTGGGAAAGTTCCCTCCAGGGCTCCCACAGGCGCTC-3'